The following is an entry in ClinVar:

NM_001367721.1(CASK):c.2441C>T (p.Ala814Val)

Gene: CASK (calcium/calmodulin dependent serine protein kinase; minus strand). Cytogenetic location: Xp11.4.
Variant type: single nucleotide variant.
Coding change: c.2441C>T on transcript NM_001367721.1 (MANE Select); coding-DNA position 2441, C replaced by T.
Protein change: p.Ala814Val; replaces alanine 814 with valine.
Molecular consequence: missense variant.
Genome position (GRCh38, 1-based): chrX:41,531,086, G>A on the plus strand (C>T on the coding strand, the complement: CASK is on the minus strand). VCF-style: chrX-41531086-G-A. GRCh37 (hg19) VCF-style: chrX-41390339-G-A.
Other names: c.2357C>T, p.Ala786Val (NM_001126054.3); c.2354C>T, p.Ala785Val (NM_001126055.3); c.2423C>T, p.Ala808Val (NM_001410745.1); c.2426C>T, p.Ala809Val (NM_003688.4); short protein forms A808V, A814V, A786V, A785V, A809V.
Identifiers: ClinVar variation 4991384 (VCV004991384.1).

ClinVar aggregate classification (germline): Uncertain significance (1 of 4 stars; one submission).

Conditions:
CASK-related disorder. Also called: CASK-related disorders; CASK-related condition.

Submission:

PreventionGenetics, part of Exact Sciences
Classification: Uncertain significance for CASK-related condition. Last evaluated: 2025-09-08. Review status: criteria provided, single submitter. Criteria: ACMG Guidelines, 2015. Collection method: clinical testing. Allele origin: germline.
Comment: The CASK c.2426C>T variant is predicted to result in the amino acid substitution p.Ala809Val. To our knowledge, this variant has not been reported in the literature or in a large population database (gnomAD), indicating this variant is rare. At this time, the clinical significance of this variant is uncertain due to the absence of conclusive functional and genetic evidence.